The following is an entry in ClinVar:

ClinVar aggregate classification (germline): Likely benign (1 of 4 stars; one submission).

gnomAD v4.1: 3 of 1,534,880 alleles (0.0002%); highest among the groups gnomAD compares: African/African-American, 0.0014%; no homozygotes.

Submission:

CeGaT Center for Human Genetics Tuebingen
Classification: Likely benign. Last evaluated: 2024-07-01. Review status: criteria provided, single submitter. Criteria: CeGaT Center For Human Genetics Tuebingen Variant Classification Criteria Version 2. Collection method: clinical testing. Allele origin: germline. Affected: yes. Observed: 1 variant allele.
Comment: HNRNPA1: BP4

NM_031157.4(HNRNPA1):c.16-4C>G

Genes: HNRNPA1 (heterogeneous nuclear ribonucleoprotein A1; plus strand), LOC117038776 (CRISPRi-FlowFISH-validated NFE2 regulatory element 2; plus strand). Cytogenetic location: 12q13.13.
Variant type: single nucleotide variant.
Coding change: c.16-4C>G on transcript NM_031157.4 (MANE Select); 4 bases into the intron before coding-DNA position 16, C replaced by G.
Molecular consequence: intron variant.
Genome position (GRCh38, 1-based): chr12:54,281,382, C>G. VCF-style: chr12-54281382-C-G. GRCh37 (hg19) VCF-style: chr12-54675166-C-G.
Other names: c.16-4C>G (NM_002136.4).
Identifiers: ClinVar variation 3256957 (VCV003256957.17).